The following is an entry in ClinVar:

ClinVar aggregate classification (germline): Uncertain significance. Review status: criteria provided, multiple submitters, no conflicts (2 of 4 stars). 4 submissions from 4 submitters: Uncertain significance (3). 1 of the submissions does not count toward it. Last evaluated 2025-12-21.

Conditions:
Dyskeratosis congenita. Identifiers: Orphanet 1775, MedGen C0265965, MONDO:0015780.
Inborn genetic diseases. Identifiers: MedGen C0950123, MeSH D030342.
Dyskeratosis congenita, autosomal recessive 5 (DKCB5). Identifiers: MedGen C3554656, MONDO:0014076, OMIM 615190.
Pulmonary fibrosis and/or bone marrow failure, Telomere-related, 3. Also called: PULMONARY FIBROSIS AND/OR BONE MARROW FAILURE SYNDROME, TELOMERE-RELATED, 3. Identifiers: Orphanet 2032, MedGen C4225346, MONDO:0014613, OMIM 616373.

Allele frequency attached by ClinVar (database versions not stated): gnomAD 0.00005; TOPMed 0.00006; ESP Exome Variant Server 0.00008.
gnomAD v4.1: 102 of 1,608,602 alleles (0.0063%); highest among the groups gnomAD compares: Non-Finnish European, 0.0075%; no homozygotes.

Submissions (4):

Labcorp Genetics (formerly Invitae), Labcorp
Classification: Uncertain significance for Dyskeratosis congenita, autosomal recessive 5; Pulmonary fibrosis and/or bone marrow failure, Telomere-related, 3. Last evaluated: 2025-12-21. Review status: criteria provided, single submitter. Criteria: Invitae Variant Classification Sherloc (09022015). Collection method: clinical testing. Allele origin: germline.
Comment: This sequence change replaces leucine, which is neutral and non-polar, with valine, which is neutral and non-polar, at codon 467 of the RTEL1 protein (p.Leu467Val). This variant is present in population databases (rs369714122, gnomAD 0.005%). This variant has not been reported in the literature in individuals affected with RTEL1-related conditions. ClinVar contains an entry for this variant (Variation ID: 971639). An algorithm developed to predict the effect of missense changes on protein structure and function (PolyPhen-2) suggests that this variant is likely to be disruptive. In summary, the available evidence is currently insufficient to determine the role of this variant in disease. Therefore, it has been classified as a Variant of Uncertain Significance.

CeGaT Center for Human Genetics Tuebingen
Classification: Uncertain significance. Last evaluated: 2025-07-01. Review status: criteria provided, single submitter. Criteria: CeGaT Center For Human Genetics Tuebingen Variant Classification Criteria Version 2. Collection method: clinical testing. Allele origin: germline. Affected: yes. Observed: 1 variant allele.

Ambry Genetics
Classification: Uncertain significance for Inborn genetic diseases. Last evaluated: 2022-06-02. Review status: criteria provided, single submitter. Criteria: Ambry Variant Classification Scheme 2023. Collection method: clinical testing. Allele origin: germline.
Comment: The p.L491V variant (also known as c.1471C>G), located in coding exon 16 of the RTEL1 gene, results from a C to G substitution at nucleotide position 1471. The leucine at codon 491 is replaced by valine, an amino acid with highly similar properties. This amino acid position is conserved. In addition, the in silico prediction for this alteration is inconclusive. Since supporting evidence is limited at this time, the clinical significance of this alteration remains unclear.

Natera, Inc.
Classification: Uncertain significance for Dyskeratosis congenita. Last evaluated: 2020-07-10. Review status: no assertion criteria provided. Collection method: clinical testing. Allele origin: germline. Not counted in ClinVar's aggregate classification.

NM_001283009.2(RTEL1):c.1399C>G (p.Leu467Val)

Genes: RTEL1 (regulator of telomere elongation helicase 1; plus strand), RTEL1-TNFRSF6B (RTEL1-TNFRSF6B readthrough (NMD candidate); plus strand). Cytogenetic location: 20q13.33.
Variant type: single nucleotide variant.
Coding change: c.1399C>G on transcript NM_001283009.2 (MANE Select); coding-DNA position 1399, C replaced by G.
Protein change: p.Leu467Val; replaces leucine 467 with valine.
Molecular consequence: missense variant. On other transcripts: non-coding transcript variant (1).
Genome position (GRCh38, 1-based): chr20:63,687,688, C>G. VCF-style: chr20-63687688-C-G. GRCh37 (hg19) VCF-style: chr20-62319041-C-G.
Other names: c.1471C>G (NM_032957.4); c.730C>G, p.Leu244Val (NM_001283010.1); c.1399C>G, p.Leu467Val (NM_016434.4); c.1471C>G, p.Leu491Val (NM_032957.5); short protein forms L467V, L244V, L491V.
Identifiers: ClinVar variation 971639 (VCV000971639.17), dbSNP rs369714122, ClinGen allele CA9964784.